The following is an entry in ClinVar:

ClinVar aggregate classification (germline): Uncertain significance (1 of 4 stars; one submission).

Allele frequency attached by ClinVar (database versions not stated): ExAC 0.00002; gnomAD exomes 0.00002; TOPMed 0.00002.
gnomAD v4.1: 26 of 1,608,450 alleles (0.0016%); highest among the groups gnomAD compares: Admixed American, 0.0083%; no homozygotes.

Submission:

Labcorp Genetics (formerly Invitae), Labcorp
Classification: Uncertain significance. Last evaluated: 2023-07-17. Review status: criteria provided, single submitter. Criteria: Invitae Variant Classification Sherloc (09022015). Collection method: clinical testing. Allele origin: germline.
Comment: In summary, the available evidence is currently insufficient to determine the role of this variant in disease. Therefore, it has been classified as a Variant of Uncertain Significance. Variants that disrupt the consensus splice site are a relatively common cause of aberrant splicing (PMID: 17576681, 9536098). Algorithms developed to predict the effect of sequence changes on RNA splicing suggest that this variant may disrupt the consensus splice site. ClinVar contains an entry for this variant (Variation ID: 1900164). This variant has not been reported in the literature in individuals affected with PDE6A-related conditions. This variant is present in population databases (rs753397673, gnomAD 0.01%). This sequence change falls in intron 5 of the PDE6A gene. It does not directly change the encoded amino acid sequence of the PDE6A protein. It affects a nucleotide within the consensus splice site.

Literature cited by the submitters: PubMed 17576681; PubMed 9536098.

NM_000440.3(PDE6A):c.933+5G>A

Gene: PDE6A (phosphodiesterase 6A; minus strand). Cytogenetic location: 5q32.
Variant type: single nucleotide variant.
Coding change: c.933+5G>A on transcript NM_000440.3 (MANE Select); 5 bases into the intron after coding-DNA position 933, G replaced by A.
Molecular consequence: intron variant.
Genome position (GRCh38, 1-based): chr5:149,921,630, C>T on the plus strand (G>A on the coding strand, the complement: PDE6A is on the minus strand). VCF-style: chr5-149921630-C-T. GRCh37 (hg19) VCF-style: chr5-149301193-C-T.
Identifiers: ClinVar variation 1900164 (VCV001900164.4), dbSNP rs753397673, ClinGen allele CA3504889.